The following is an entry in ClinVar:

NM_001035.3(RYR2):c.6078_6079del (p.Gly2027fs)

Gene: RYR2 (ryanodine receptor 2; plus strand). Cytogenetic location: 1q43.
Variant type: Microsatellite.
Coding change: c.6078_6079del on transcript NM_001035.3 (MANE Select); coding-DNA positions 6078 to 6079, 2 bases deleted (AG; older notation c.6078_6079delAG).
Protein change: p.Gly2027fs; shifts the reading frame from glycine 2027.
Molecular consequence: frameshift variant.
Genome position (GRCh38, 1-based): chr1:237,625,716-237,625,717, AG deleted; deleting any 2 consecutive bases within chr1:237,625,714-237,625,717 gives the same sequence; the c. name uses the placement nearest the transcript's 3' end. VCF-style (leftmost placement, unchanged base first): chr1-237625713-TAG-T. GRCh37 (hg19) VCF-style: chr1-237789013-TAG-T.
Other names: short protein forms G2027fs.
Identifiers: ClinVar variation 3385756 (VCV003385756.1).

ClinVar aggregate classification (germline): Uncertain significance (1 of 4 stars; one submission).

Conditions:
Catecholaminergic polymorphic ventricular tachycardia (CVPT). Also called: Catecholamine-induced polymorphic ventricular tachycardia. Identifiers: Orphanet 3286, MedGen C5574922, MONDO:0017990.

Submission:

All of Us Research Program, National Institutes of Health
Classification: Uncertain significance for Catecholaminergic polymorphic ventricular tachycardia. Last evaluated: 2024-05-14. Review status: criteria provided, single submitter. Criteria: ACMG Guidelines, 2015. Collection method: clinical testing. Allele origin: germline. Inheritance: Autosomal dominant inheritance. Observed: 1 variant allele, 1 heterozygote.
Comment: This variant deletes 2 nucleotides in exon 40 of the RYR2 gene, creating a frameshift and premature translation stop signal. This variant is expected to result in an absent or non-functional protein product. To our knowledge, this variant has not been reported in individuals affected with RYR2-related disorders in the literature. This variant has not been identified in the general population by the Genome Aggregation Database (gnomAD). Clinical relevance of loss-of-function RYR2 truncation variants in autosomal dominant cardiovascular disorders is not clearly established. The available evidence is insufficient to determine the role of this variant in disease conclusively. Therefore, this variant is classified as a Variant of Uncertain Significance.

This study involves interpretation of variants in research participants for the purpose of population health screening. Participant phenotype was not available at the time of variant classification. Additional details can be found in publication PMID: 35346344, PMCID: PMC8962531